The following is an entry in ClinVar:

ClinVar aggregate classification (germline): Uncertain significance (1 of 4 stars; one submission).

Conditions:
Familial cancer of breast. Also called: hereditary breast carcinoma; BREAST CANCER, FAMILIAL; Hereditary breast cancer. Identifiers: Orphanet 227535, MedGen C0346153, MONDO:0016419, OMIM 114480. Disease mechanism: loss of function.

Submission:

Labcorp Genetics (formerly Invitae), Labcorp
Classification: Uncertain significance for Familial cancer of breast. Last evaluated: 2021-11-11. Review status: criteria provided, single submitter. Criteria: Invitae Variant Classification Sherloc (09022015). Collection method: clinical testing. Allele origin: germline.
Comment: This sequence change replaces asparagine, which is neutral and polar, with lysine, which is basic and polar, at codon 255 of the BARD1 protein (p.Asn255Lys). This variant is not present in population databases (gnomAD no frequency). This variant has not been reported in the literature in individuals affected with BARD1-related conditions. Algorithms developed to predict the effect of missense changes on protein structure and function (SIFT, PolyPhen-2, Align-GVGD) all suggest that this variant is likely to be tolerated. In summary, the available evidence is currently insufficient to determine the role of this variant in disease. Therefore, it has been classified as a Variant of Uncertain Significance.

NM_000465.4(BARD1):c.765T>A (p.Asn255Lys)

Gene: BARD1 (BRCA1 associated RING domain 1; minus strand). Cytogenetic location: 2q35.
Variant type: single nucleotide variant.
Coding change: c.765T>A on transcript NM_000465.4 (MANE Select); coding-DNA position 765, T replaced by A.
Protein change: p.Asn255Lys; replaces asparagine 255 with lysine.
Molecular consequence: missense variant. On other transcripts: non-coding transcript variant (2), intron variant (3).
Genome position (GRCh38, 1-based): chr2:214,781,109, A>T on the plus strand (T>A on the coding strand, the complement: BARD1 is on the minus strand). VCF-style: chr2-214781109-A-T. GRCh37 (hg19) VCF-style: chr2-215645833-A-T.
Other names: c.708T>A, p.Asn236Lys (NM_001282543.2); c.158+28303T>A (NM_001282548.2); c.215+15952T>A (NM_001282545.2); c.364+11188T>A (NM_001282549.2); short protein forms N236K, N255K.
Identifiers: ClinVar variation 1392505 (VCV001392505.7), dbSNP rs754775017, ClinGen allele CA350455955.